The following is an entry in ClinVar:

ClinVar aggregate classification (germline): Benign/Likely benign. Review status: criteria provided, multiple submitters, no conflicts (2 of 4 stars). 3 submissions from 3 submitters: Benign (1); Likely benign (2). Last evaluated 2026-04-22.

Conditions:
Colorectal cancer, susceptibility to, 1. Also called: COLORECTAL ADENOMA AND CANCER, SUSCEPTIBILITY TO; COLORECTAL CANCER, SUSCEPTIBILITY TO, ON CHROMOSOME 9. Identifiers: MedGen C1837315, MONDO:0012132, OMIM 608812.

Allele frequency attached by ClinVar (database versions not stated): gnomAD exomes 0.00001.

Submissions (3):

Myriad Genetics, Inc.
Classification: Benign for Colorectal cancer, susceptibility to, 1. Last evaluated: 2026-04-22. Review status: criteria provided, single submitter. Criteria: Myriad Autosomal Dominant, Autosomal Recessive and X-Linked Classification Criteria (2023). Collection method: clinical testing. Allele origin: unknown.
Comment: This variant is considered benign. This variant is a silent/synonymous amino acid change and it is not expected to impact splicing.

Labcorp Genetics (formerly Invitae), Labcorp
Classification: Likely benign. Last evaluated: 2023-02-14. Review status: criteria provided, single submitter. Criteria: Invitae Variant Classification Sherloc (09022015). Collection method: clinical testing. Allele origin: germline.

Ambry Genetics
Classification: Likely benign. Last evaluated: 2019-02-14. Review status: criteria provided, single submitter. Criteria: Ambry Variant Classification Scheme 2023. Collection method: clinical testing. Allele origin: germline.

NM_024642.5(GALNT12):c.87G>A (p.Ala29=)

Genes: GALNT12 (polypeptide N-acetylgalactosaminyltransferase 12; plus strand), LOC130002222 (ATAC-STARR-seq lymphoblastoid silent region 20123; plus strand). Cytogenetic location: 9q22.33.
Variant type: single nucleotide variant.
Coding change: c.87G>A on transcript NM_024642.5 (MANE Select); coding-DNA position 87, G replaced by A.
Protein change: p.Ala29=; no amino-acid change (alanine 29 retained).
Molecular consequence: synonymous variant.
Genome position (GRCh38, 1-based): chr9:98,807,785, G>A. VCF-style: chr9-98807785-G-A. GRCh37 (hg19) VCF-style: chr9-101570067-G-A.
Identifiers: ClinVar variation 822746 (VCV000822746.8), dbSNP rs1342288953, ClinGen allele CA466423719.